The following is an entry in ClinVar:

NM_014806.5(RUSC2):c.1670C>T (p.Ser557Phe)

Gene: RUSC2 (RUN and SH3 domain containing 2; plus strand). Cytogenetic location: 9p13.3.
Variant type: single nucleotide variant.
Coding change: c.1670C>T on transcript NM_014806.5 (MANE Select); coding-DNA position 1670, C replaced by T.
Protein change: p.Ser557Phe; replaces serine 557 with phenylalanine.
Molecular consequence: missense variant. On other transcripts: non-coding transcript variant (1), intron variant (1).
Genome position (GRCh38, 1-based): chr9:35,548,191, C>T. VCF-style: chr9-35548191-C-T. GRCh37 (hg19) VCF-style: chr9-35548188-C-T.
Other names: c.1670C>T, p.Ser557Phe (NM_001135999.2); c.-620-6869C>T (NM_001330740.2); c.1670C>T (NM_001135999.1); short protein forms S557F.
Identifiers: ClinVar variation 1973331 (VCV001973331.6), dbSNP rs2490384971, ClinGen allele CA373334829.
Genomic context (GRCh38, chr9:35,548,191, plus strand): 5'-CACCCAGGAGGGTCACCTCCTTTGCCGAGCTGGCCAAGGGCCGGAAGAAAACTGGAGGCT[C>T]TGGCTCGCCCCCACTTCGTGTGAGTGTTGGGGACTCCTCCCAGGAGTTCTCACCCATCCA-3'
Protein context (NP_055621.2, residues 547-567): LAKGRKKTGG[Ser557Phe]GSPPLRVSVG

ClinVar aggregate classification (germline): Uncertain significance. Review status: criteria provided, multiple submitters, no conflicts (2 of 4 stars). 2 submissions from 2 submitters: Uncertain significance (2). Last evaluated 2025-08-10.

Submissions (2):

Ambry Genetics
Classification: Uncertain significance. Last evaluated: 2025-08-10. Review status: criteria provided, single submitter. Criteria: Ambry Variant Classification Scheme 2023. Collection method: clinical testing. Allele origin: germline.

Labcorp Genetics (formerly Invitae), Labcorp
Classification: Uncertain significance. Last evaluated: 2022-02-11. Review status: criteria provided, single submitter. Criteria: Invitae Variant Classification Sherloc (09022015). Collection method: clinical testing. Allele origin: germline.
Comment: In summary, the available evidence is currently insufficient to determine the role of this variant in disease. Therefore, it has been classified as a Variant of Uncertain Significance. Algorithms developed to predict the effect of missense changes on protein structure and function are either unavailable or do not agree on the potential impact of this missense change (SIFT: "Tolerated"; PolyPhen-2: "Probably Damaging"; Align-GVGD: "Class C0"). This variant has not been reported in the literature in individuals affected with RUSC2-related conditions. This variant is not present in population databases (gnomAD no frequency). This sequence change replaces serine, which is neutral and polar, with phenylalanine, which is neutral and non-polar, at codon 557 of the RUSC2 protein (p.Ser557Phe).